The following is an entry in ClinVar:

ClinVar aggregate classification (germline): Uncertain significance. Review status: criteria provided, single submitter (1 of 4 stars). 2 submissions from 2 submitters: Uncertain significance (1). 1 of the submissions does not count toward it. Last evaluated 2026-01-16.

Conditions:
VWF-related disorder. Also called: VWF-related disorders; VWF-related condition.

Submissions (2):

PreventionGenetics, part of Exact Sciences
Classification: Uncertain significance for VWF-related condition. Last evaluated: 2026-01-16. Review status: criteria provided, single submitter. Criteria: ACMG Guidelines, 2015. Collection method: clinical testing. Allele origin: germline.
Comment: The VWF c.3835G>T variant is predicted to result in the amino acid substitution p.Val1279Phe. This variant is alternatively referred to as p.Val516Phe using legacy nomenclature. This variant has been reported in individuals with Von Willebrand disease 2a and 2m (Nitu-Whalley et al. 2000. PubMed ID:11154147; Corrales et al. 2009. PubMed ID: 19277422; Veyradier et al. 2016. PubMed ID: 26986123). This variant has not been reported in a large population database (gnomAD), indicating this variant is rare. Although we suspect that this variant may be pathogenic, at this time, the clinical significance of this variant is uncertain due to the absence of conclusive functional and genetic evidence.

Academic Unit of Haematology, University of Sheffield
No classification provided. Review status: no classification provided. Collection method: not provided. Allele origin: not provided. Not counted in ClinVar's aggregate classification.

NM_000552.5(VWF):c.3835G>T (p.Val1279Phe)

Gene: VWF (von Willebrand factor; minus strand). Cytogenetic location: 12p13.31.
Variant type: single nucleotide variant.
Coding change: c.3835G>T on transcript NM_000552.5 (MANE Select); coding-DNA position 3835, G replaced by T.
Protein change: p.Val1279Phe; replaces valine 1279 with phenylalanine.
Molecular consequence: missense variant.
Genome position (GRCh38, 1-based): chr12:6,019,583, C>A on the plus strand (G>T on the coding strand, the complement: VWF is on the minus strand). VCF-style: chr12-6019583-C-A. GRCh37 (hg19) VCF-style: chr12-6128749-C-A.
Other names: c.3835G>T (NM_000552.4); short protein forms V1279F.
Identifiers: ClinVar variation 100289 (VCV000100289.2), dbSNP rs61749376, ClinGen allele CA228461.